The following is an entry in ClinVar:

NM_001042492.3(NF1):c.3062T>C (p.Val1021Ala)

Gene: NF1 (neurofibromin 1; plus strand). Cytogenetic location: 17q11.2.
Variant type: single nucleotide variant.
Coding change: c.3062T>C on transcript NM_001042492.3 (MANE Select); coding-DNA position 3062, T replaced by C.
Protein change: p.Val1021Ala; replaces valine 1021 with alanine.
Molecular consequence: missense variant.
Genome position (GRCh38, 1-based): chr17:31,230,331, T>C. VCF-style: chr17-31230331-T-C. GRCh37 (hg19) VCF-style: chr17-29557349-T-C.
Other names: c.3062T>C, p.Val1021Ala (NM_000267.4); short protein forms V1021A.
Identifiers: ClinVar variation 1799391 (VCV001799391.2), dbSNP rs1355411201, ClinGen allele CA398987426.
Genomic context (GRCh38, chr17:31,230,331, plus strand): 5'-TGCTTGGGAATATGGTCCATGCAATTCAAATAAAAACGAAACTGTGTCAATTAGTTGAAG[T>C]AATGATGGCAAGGAGAGATGACCTCTCATTTTGCCAAGAGATGAAATTTAGGTGAGTTCT-3'
Protein context (NP_001035957.1, residues 1011-1031): IKTKLCQLVE[Val1021Ala]MMARRDDLSF

ClinVar aggregate classification (germline): Uncertain significance (1 of 4 stars; one submission).

Conditions:
Hereditary cancer-predisposing syndrome. Also called: Neoplastic Syndromes, Hereditary; Tumor predisposition; Hereditary Cancer Syndrome; Hereditary neoplastic syndrome. Identifiers: Orphanet 140162, MedGen C0027672, MeSH D009386, MONDO:0015356.
Cardiovascular phenotype. Identifiers: MedGen CN230736.

gnomAD v4.1: 1 of 1,613,532 alleles (0.000062%); highest among the groups gnomAD compares: South Asian, 0.0011%; no homozygotes.

Submission:

Ambry Genetics
Classification: Uncertain significance for Cardiovascular phenotype; Hereditary cancer-predisposing syndrome. Last evaluated: 2020-03-03. Review status: criteria provided, single submitter. Criteria: Ambry Variant Classification Scheme 2023. Collection method: clinical testing. Allele origin: germline.
Comment: The p.V1021A variant (also known as c.3062T>C), located in coding exon 23 of the NF1 gene, results from a T to C substitution at nucleotide position 3062. The valine at codon 1021 is replaced by alanine, an amino acid with similar properties. This amino acid position is highly conserved in available vertebrate species. In addition, the in silico prediction for this alteration is inconclusive. Since supporting evidence is limited at this time, the clinical significance of this alteration remains unclear.